The following is an entry in ClinVar:

ClinVar aggregate classification (germline): Uncertain significance (1 of 4 stars; one submission).

Conditions:
COL7A1-related disorder. Also called: COL7A1- related disorders; COL7A1-related condition.

Submission:

PreventionGenetics, part of Exact Sciences
Classification: Uncertain significance for COL7A1-related condition. Last evaluated: 2023-05-22. Review status: criteria provided, single submitter. Criteria: ACMG Guidelines, 2015. Collection method: clinical testing. Allele origin: germline.
Comment: The COL7A1 c.4031G>A variant is predicted to result in the amino acid substitution p.Gly1344Asp. To our knowledge, this variant has not been reported in the literature or in a large population database, indicating this variant is rare. At this time, the clinical significance of this variant is uncertain due to the absence of conclusive functional and genetic evidence.

NM_000094.4(COL7A1):c.4031G>A (p.Gly1344Asp)

Gene: COL7A1 (collagen type VII alpha 1 chain; minus strand). Cytogenetic location: 3p21.31.
Variant type: single nucleotide variant.
Coding change: c.4031G>A on transcript NM_000094.4 (MANE Select); coding-DNA position 4031, G replaced by A.
Protein change: p.Gly1344Asp; replaces glycine 1344 with aspartic acid.
Molecular consequence: missense variant.
Genome position (GRCh38, 1-based): chr3:48,584,750, C>T on the plus strand (G>A on the coding strand, the complement: COL7A1 is on the minus strand). VCF-style: chr3-48584750-C-T. GRCh37 (hg19) VCF-style: chr3-48622183-C-T.
Other names: short protein forms G1344D.
Identifiers: ClinVar variation 2633096 (VCV002633096.1), dbSNP rs2045103432, ClinGen allele CA352696617.